The following is an entry in ClinVar:

ClinVar aggregate classification (germline): Uncertain significance (1 of 4 stars; one submission).

gnomAD v4.1: 5 of 1,613,668 alleles (0.00031%); highest among the groups gnomAD compares: African/African-American, 0.0027%; no homozygotes.

Submission:

Ambry Genetics
Classification: Uncertain significance. Last evaluated: 2025-01-27. Review status: criteria provided, single submitter. Criteria: Ambry Variant Classification Scheme 2023. Collection method: clinical testing. Allele origin: germline.
Comment: The p.V274M variant (also known as c.820G>A), located in coding exon 7 of the RAD51B gene, results from a G to A substitution at nucleotide position 820. The valine at codon 274 is replaced by methionine, an amino acid with highly similar properties. This amino acid position is conserved. In addition, this alteration is predicted to be tolerated by in silico analysis. Based on the available evidence, the clinical significance of this variant remains unclear.

NM_133510.4(RAD51B):c.820G>A (p.Val274Met)

Gene: RAD51B (RAD51 paralog B; plus strand). Cytogenetic location: 14q24.1.
Variant type: single nucleotide variant.
Coding change: c.820G>A on transcript NM_133510.4 (MANE Select); coding-DNA position 820, G replaced by A.
Protein change: p.Val274Met; replaces valine 274 with methionine.
Molecular consequence: missense variant.
Genome position (GRCh38, 1-based): chr14:68,291,947, G>A. VCF-style: chr14-68291947-G-A. GRCh37 (hg19) VCF-style: chr14-68758664-G-A.
Other names: c.820G>A, p.Val274Met (NM_001321809.2, NM_001321810.2, NM_001321812.1 and 6 more transcripts); c.706G>A, p.Val236Met (NM_001321815.1); c.463G>A, p.Val155Met (NM_001321817.2); short protein forms V274M, V155M, V236M.
Identifiers: ClinVar variation 3786431 (VCV003786431.1).
Genomic context (GRCh38, chr14:68,291,947, plus strand): 5'-ATCTTGACGAATCAGATTACAACCCATCTGAGTGGAGCCCTGGCTTCTCAGGCAGACCTG[G>A]TGTCTCCAGCTGATGATTTGTCCCTGTCTGAAGGTAAGGAATCTGTCCTGGAGAGGCTGA-3'
Protein context (NP_598194.1, residues 264-284): SGALASQADL[Val274Met]SPADDLSLSE